The following is an entry in ClinVar:

ClinVar aggregate classification (germline): Uncertain significance (1 of 4 stars; one submission).

Conditions:
Malignant hyperthermia, susceptibility to, 5 (MHS5). Also called: CACNA1S-Related Malignant Hyperthermia Susceptibility. Identifiers: Orphanet 423, MedGen C1866077, MONDO:0011163, OMIM 601887.

Submission:

All of Us Research Program, National Institutes of Health
Classification: Uncertain significance for Malignant hyperthermia, susceptibility to, 5. Last evaluated: 2022-11-28. Review status: criteria provided, single submitter. Criteria: ACMG Guidelines, 2015. Collection method: clinical testing. Allele origin: germline. Inheritance: Autosomal dominant inheritance. Observed: 1 variant allele, 1 heterozygote.
Comment: This study involves interpretation of variants in research participants for the purpose of population health screening. Participant phenotype was not available at the time of variant classification. Additional details can be found in publication PMID: 35346344, PMCID: PMC8962531

NM_000069.3(CACNA1S):c.4018C>T (p.Pro1340Ser)

Gene: CACNA1S (calcium voltage-gated channel subunit alpha1 S; minus strand). Cytogenetic location: 1q32.1.
Variant type: single nucleotide variant.
Coding change: c.4018C>T on transcript NM_000069.3 (MANE Select); coding-DNA position 4018, C replaced by T.
Protein change: p.Pro1340Ser; replaces proline 1340 with serine.
Molecular consequence: missense variant.
Genome position (GRCh38, 1-based): chr1:201,051,079, G>A on the plus strand (C>T on the coding strand, the complement: CACNA1S is on the minus strand). VCF-style: chr1-201051079-G-A. GRCh37 (hg19) VCF-style: chr1-201020207-G-A.
Other names: short protein forms P1340S.
Identifiers: ClinVar variation 3069300 (VCV003069300.1), dbSNP rs1660631937, ClinGen allele CA344150474.